The following is an entry in ClinVar:

ClinVar aggregate classification (germline): Pathogenic/Likely pathogenic. Review status: criteria provided, multiple submitters, no conflicts (2 of 4 stars). 2 submissions from 2 submitters: Pathogenic (1); Likely pathogenic (1). Last evaluated 2025-05-28.

Conditions:
RP1-related disorder. Also called: RP1-related condition.

Submissions (2):

Labcorp Genetics (formerly Invitae), Labcorp
Classification: Pathogenic. Last evaluated: 2025-05-28. Review status: criteria provided, single submitter. Criteria: Invitae Variant Classification Sherloc (09022015). Collection method: clinical testing. Allele origin: germline.
Comment: This sequence change creates a premature translational stop signal (p.Asn893Ilefs*3) in the RP1 gene. While this is not anticipated to result in nonsense mediated decay, it is expected to disrupt the last 1264 amino acid(s) of the RP1 protein. This variant is not present in population databases (gnomAD no frequency). This premature translational stop signal has been observed in individual(s) with autosomal dominant retinitis pigmentosa (PMID: 25097241; internal data). ClinVar contains an entry for this variant (Variation ID: 941572). This variant disrupts the C-terminus of the RP1 protein. Many variants that disrupt this region have been reported in individuals with either autosomal dominant or autosomal recessive retinitis pigmentosa (PMID: 11527933, 19933189, 29425069, 30027431, 33681214). Therefore, variants that disrupt this region are expected to be disease-causing. For these reasons, this variant has been classified as Pathogenic.

Blueprint Genetics
Classification: Likely pathogenic for RP1-related disorders. Last evaluated: 2022-05-10. Review status: criteria provided, single submitter. Criteria: ACMG Guidelines, 2015. Collection method: clinical testing. Allele origin: germline. Affected: yes. Observed: 1 variant allele.

Literature cited by the submitters: PubMed 25097241 (cited by Labcorp Genetics (formerly Invitae), Labcorp); PubMed 11527933 (cited by Labcorp Genetics (formerly Invitae), Labcorp); PubMed 19933189 (cited by Labcorp Genetics (formerly Invitae), Labcorp); PubMed 29425069 (cited by Labcorp Genetics (formerly Invitae), Labcorp); PubMed 30027431 (cited by Labcorp Genetics (formerly Invitae), Labcorp); PubMed 33681214 (cited by Labcorp Genetics (formerly Invitae), Labcorp).

NM_006269.2(RP1):c.2678del (p.Asn893fs)

Gene: RP1 (RP1 axonemal microtubule associated; plus strand). Cytogenetic location: 8q12.1.
Variant type: Deletion.
Coding change: c.2678del on transcript NM_006269.2 (MANE Select); coding-DNA position 2678, one base deleted (A; older notation c.2678delA).
Protein change: p.Asn893fs; shifts the reading frame from asparagine 893.
Molecular consequence: frameshift variant. On other transcripts: intron variant (1).
Genome position (GRCh38, 1-based): chr8:54,626,560, A deleted; the last of 3 consecutive A bases (chr8:54,626,558-54,626,560); deleting any one gives the same sequence. VCF-style (leftmost placement, unchanged base first): chr8-54626557-CA-C. GRCh37 (hg19) VCF-style: chr8-55539117-CA-C.
Other names: c.787+4272del (NM_001375654.1); short protein forms N893fs.
Identifiers: ClinVar variation 941572 (VCV000941572.10), dbSNP rs1806057524, ClinGen allele CA1139660535.